The following is an entry in ClinVar:

ClinVar aggregate classification (germline): Uncertain significance. Review status: criteria provided, multiple submitters, no conflicts (2 of 4 stars). 2 submissions from 2 submitters: Uncertain significance (2). Last evaluated 2024-05-08.

Allele frequency attached by ClinVar (database versions not stated): gnomAD exomes 0.00001.
gnomAD v4.1: 19 of 1,590,846 alleles (0.0012%); highest among the groups gnomAD compares: Middle Eastern, 0.018%; no homozygotes.

Submissions (2):

Labcorp Genetics (formerly Invitae), Labcorp
Classification: Uncertain significance. Last evaluated: 2024-05-08. Review status: criteria provided, single submitter. Criteria: Invitae Variant Classification Sherloc (09022015). Collection method: clinical testing. Allele origin: germline.
Comment: This sequence change replaces proline, which is neutral and non-polar, with serine, which is neutral and polar, at codon 847 of the FCHO1 protein (p.Pro847Ser). The frequency data for this variant in the population databases is considered unreliable, as metrics indicate poor data quality at this position in the gnomAD database. This variant has not been reported in the literature in individuals affected with FCHO1-related conditions. An algorithm developed to predict the effect of missense changes on protein structure and function (PolyPhen-2) suggests that this variant is likely to be disruptive. In summary, the available evidence is currently insufficient to determine the role of this variant in disease. Therefore, it has been classified as a Variant of Uncertain Significance.

Blueprint Genetics
Classification: Uncertain significance. Last evaluated: 2023-06-16. Review status: criteria provided, single submitter. Criteria: ACMG Guidelines, 2015. Collection method: clinical testing. Allele origin: germline.

NM_015122.3(FCHO1):c.2539C>T (p.Pro847Ser)

Gene: FCHO1 (FCH and mu domain containing endocytic adaptor 1; plus strand). Cytogenetic location: 19p13.11.
Variant type: single nucleotide variant.
Coding change: c.2539C>T on transcript NM_015122.3 (MANE Select); coding-DNA position 2539, C replaced by T.
Protein change: p.Pro847Ser; replaces proline 847 with serine.
Molecular consequence: missense variant. On other transcripts: non-coding transcript variant (36).
Genome position (GRCh38, 1-based): chr19:17,787,738, C>T. VCF-style: chr19-17787738-C-T. GRCh37 (hg19) VCF-style: chr19-17898547-C-T.
Other names: c.2539C>T, p.Pro847Ser (NM_001161357.2, NM_001161358.2, NM_001384370.1 and 11 more transcripts); c.2389C>T, p.Pro797Ser (NM_001161359.2, NM_001384384.1, NM_001384385.1 and 1 more transcripts); c.2518C>T, p.Pro840Ser (NM_001384387.1); c.2500C>T, p.Pro834Ser (NM_001384388.1, NM_001384389.1); c.2464C>T, p.Pro822Ser (NM_001384390.1); c.2339C>T, p.Pro780Leu (NM_001384391.1); c.2422C>T, p.Pro808Ser (NM_001384392.1, NM_001384393.1, NM_001384394.1 and 1 more transcripts); c.2263C>T, p.Pro755Ser (NM_001384396.1, NM_001384397.1, NM_001384398.1 and 4 more transcripts); and 5 more; short protein forms P638L, P797S, P808S, P822S, P834S, P840S, P688L, P780L.
Identifiers: ClinVar variation 2985267 (VCV002985267.3), dbSNP rs1211048067, ClinGen allele CA404759045.
Genomic context (GRCh38, chr19:17,787,738, plus strand): 5'-CCAGGTTCTGGCCGCCTCTCTGCCAGCTGGGAGCCGCTCTCAGGGCCCAGCACACCCAGC[C>T]CCGTGGCTGCACAGTTCACCAGCGAGGGGACCACTCTGTCGGGCGTGGACTTGGAACTGG-3'
Protein context (NP_055937.1, residues 837-857): EPLSGPSTPS[Pro847Ser]VAAQFTSEGT